The following is an entry in ClinVar:

NM_000330.4(RS1):c.599G>A (p.Arg200His)

Genes: CDKL5 (cyclin dependent kinase like 5; plus strand), RS1 (retinoschisin 1; minus strand). Cytogenetic location: Xp22.13.
Variant type: single nucleotide variant.
Coding change: c.599G>A on transcript NM_000330.4 (MANE Select); coding-DNA position 599, G replaced by A.
Protein change: p.Arg200His; replaces arginine 200 with histidine.
Molecular consequence: missense variant. On other transcripts: intron variant (2).
Genome position (GRCh38, 1-based): chrX:18,642,080, C>T on the plus strand (G>A on the coding strand, the complement: RS1 is on the minus strand). VCF-style: chrX-18642080-C-T. GRCh37 (hg19) VCF-style: chrX-18660200-C-T.
Other names: NM_000330.4(RS1):c.599G>A; c.2714-3927C>T (NM_003159.3, NM_001037343.2); short protein forms R200H.
Identifiers: ClinVar variation 99001 (VCV000099001.18), dbSNP rs281865358, ClinGen allele CA226808.
Genomic context (GRCh38, chrX:18,642,080, plus strand): 5'-ACGCACTCCAGCAGCTCCATCCGGATGGCAATGCGGACGTGCCAGCCCAGCGGGATGAGG[C>T]GGATGAAGCGGGAGATGATGGGGGGCCGCAGCAGGTTCTGAACCGTGGAGGTGCGGTCCG-3'
Protein context (NP_000321.1, residues 190-210): LRPPIISRFI[Arg200His]LIPLGWHVRI

ClinVar aggregate classification (germline): Pathogenic. Review status: reviewed by expert panel (3 of 4 stars). 8 submissions from 8 submitters: Pathogenic (1). 7 of the submissions do not count toward it. Last evaluated 2026-09-26.

Conditions:
RS1-related disorder. Also called: RS1-related condition.
Retinal dystrophy. Also called: Inherited retinal dystrophy. Identifiers: Orphanet 71862, MedGen C0854723, MeSH D058499, MONDO:0019118, HP:0000556.
Juvenile retinoschisis (RS1). Also called: X-Linked Juvenile Retinoschisis; X-linked retinoschisis. Identifiers: Orphanet 792, MedGen C3714753, MONDO:0010725, OMIM 312700.

Allele frequency attached by ClinVar (database versions not stated): gnomAD exomes below 0.00001.
gnomAD v4.1: 3 of 1,210,763 alleles (0.00025%); highest among the groups gnomAD compares: Non-Finnish European, 0.00034%; no homozygotes.

Submissions (8):

ClinGen X-linked Inherited Retinal Disease Variant Curation Expert Panel, ClinGen
Classification: Pathogenic for Juvenile retinoschisis. Last evaluated: 2026-09-26. Review status: reviewed by expert panel. Criteria: ClinGen X LinkedIRD ACMG Specifications RS1 V1.0.0. Collection method: curation. Allele origin: germline. Inheritance: X-linked inheritance.
Comment: The NM_000330.4(RS1): c.599G>A variant is a missense variant encoding the substitution of Arginine with Histidine at position 200. This variant is present in gnomAD v.4.1.0 at a frequency of 0.000005020 among hemizygous individuals, with 2 variant alleles / 398409 total hemizygous alleles, which is between the ClinGen X-linked IRD VCEP PM2_Supporting and BS1 threshold of 0.000002 to 0.00002 and fails to meet these criteria. The computational predictor REVEL gives a score of 0.986, which is above the ClinGen X-linked IRD VCEP threshold of >0.932 and predicts a damaging effect on RS1 function (PP3_Strong). The computational splicing predictor SpliceAI gives a delta score of 0.00 for all predictive splice changes, which is below the ClinGen X-linked IRD VCEP threshold of ≥0.2 and does not predict that the variant disrupts RS1 splicing. This variant, p.Arg200His, of the RS1 gene, is a missense substitution affecting an established residue involved in cross-linking the adjacent RS1 subunit defined by the ClinGen X-linked IRD VCEP (PMID: 27114531). The combination of PP3_strong and PM1 code at any strength is ineligible, and therefore, the PM1 code was not met. At least one proband harboring this variant exhibits a phenotype of the appearance of schisis and reduced visual acuity before age 13 years, which together are specific for X-linked retinoschisis (PMID: 30652005, PP4). This variant has been reported in at least 5 apparently unrelated probands meeting one of the PS4 requirements of a male diagnosed with XLRS (PMIDs: 30652005, 32300273, 30551202, 22245991, 21701876, 28147405, 10533068, 28348004, 34624300, 39462066, 36284460, PS4). The variant has been reported to segregate with retinal dystrophy through more than 3 meioses in one family (PP1_strong; PMID: 30551202). In summary, this variant is classified as pathogenic for X-linked retinoschisis based on the ClinGen X-linked Inherited Retinal Disease Expert Panel Specifications to the ACMG/AMP Variant Interpretation Guidelines for RS1 Version 1.0.0: PP3_Strong, PP4, PS4, and PP1_Strong.

Kasturba Medical College, Manipal, Kasturba Medical College, Manipal, Manipal Academy of Higher Education, Manipal, India
Classification: Likely pathogenic for Juvenile retinoschisis. Last evaluated: 2026-08-19. Review status: criteria provided, single submitter. Criteria: ACMG Guidelines, 2015. Collection method: research. Allele origin: unknown. Inheritance: X-linked recessive inheritance. Affected: yes. Observed: 1 variant allele, 1 hemizygote. Not counted in ClinVar's aggregate classification.
Comment: A known missense variant, c.599G>A in exon 6 of RS1 was observed in hemizygous state in the porband (Yi et al., 2012; ClinVar ID: VCV000099001.15). This variant is present in two individuals in hemizygous state and in three individuals in heterozygous state in gnomAD population database (v4.1.0). This variant is absent in hemizygous and/or heterozygous state in our in-house database of 4415 exomes. In-silico analysis tools (CADD_phred and REVEL) are consistent in predicting the variant to be damaging to the RS1 protein structure and function.

Natera, Inc.
Classification: Pathogenic for X-linked retinoschisis. Last evaluated: 2025-11-24. Review status: criteria provided, single submitter. Criteria: Natera Variant Classification Schema (03/2026). Collection method: clinical testing. Allele origin: germline. Not counted in ClinVar's aggregate classification.
Comment: The c.599G>A variant in RS1 is a missense variant predicted to cause substitution of arginine to histidine at amino acid 200. This variant is rare in the general population with a frequency below the threshold expected for the associated phenotype(s). This variant has been observed in affected individual(s) with monoallelic occurrence (heterozygous/hemizygous) (PMID: 34624300, 28147405, 34645606). This variant is located in a functionally critical region of the protein. A different variant at the same position has been determined to be Pathogenic or Likely Pathogenic. Computational prediction algorithms indicate this variant is likely to affect gene or protein function. Given the available evidence, this variant is classified as Pathogenic.

GeneDx
Classification: Pathogenic. Last evaluated: 2025-11-14. Review status: criteria provided, single submitter. Criteria: GeneDx Variant Classification Process June 2021. Collection method: clinical testing. Allele origin: germline. Affected: yes. Not counted in ClinVar's aggregate classification.
Comment: Not observed at significant frequency in large population cohorts (gnomAD); In silico analysis supports that this missense variant has a deleterious effect on protein structure/function; This variant is associated with the following publications: (PMID: 24505212, 34624300, 35456481, 9618178, 18549702, 22245991, 10533068, 30652005, 33460243, 33090715, 34822951, 36284460, 34645606, 31897705)

Labcorp Genetics (formerly Invitae), Labcorp
Classification: Pathogenic. Last evaluated: 2025-06-08. Review status: criteria provided, single submitter. Criteria: Invitae Variant Classification Sherloc (09022015). Collection method: clinical testing. Allele origin: germline. Not counted in ClinVar's aggregate classification.
Comment: This sequence change replaces arginine, which is basic and polar, with histidine, which is basic and polar, at codon 200 of the RS1 protein (p.Arg200His). This variant is not present in population databases (gnomAD no frequency). This missense change has been observed in individuals with X-linked retinoschisis (PMID: 9618178, 30652005). ClinVar contains an entry for this variant (Variation ID: 99001). Invitae Evidence Modeling of protein sequence and biophysical properties (such as structural, functional, and spatial information, amino acid conservation, physicochemical variation, residue mobility, and thermodynamic stability) indicates that this missense variant is expected to disrupt RS1 protein function with a positive predictive value of 95%. This variant disrupts the p.Arg200 amino acid residue in RS1. Other variant(s) that disrupt this residue have been determined to be pathogenic (PMID: 9618178, 28272453, 30652005). This suggests that this residue is clinically significant, and that variants that disrupt this residue are likely to be disease-causing. For these reasons, this variant has been classified as Pathogenic.

Blueprint Genetics
Classification: Pathogenic for RS1-related disorders. Last evaluated: 2023-12-04. Review status: criteria provided, single submitter. Criteria: ACMG Guidelines, 2015. Collection method: clinical testing. Allele origin: germline. Affected: yes. Observed: 5 variant alleles. Not counted in ClinVar's aggregate classification.

Institute of Human Genetics, Univ. Regensburg, Univ. Regensburg
Classification: Pathogenic for Retinal dystrophy. Last evaluated: 2022-01-01. Review status: criteria provided, single submitter. Criteria: ACMG Guidelines, 2015. Collection method: clinical testing. Allele origin: germline. Affected: yes. Not counted in ClinVar's aggregate classification.

Retina International
No classification provided. Review status: no classification provided. Collection method: not provided. Allele origin: unknown. Not counted in ClinVar's aggregate classification.

Literature cited by the submitters: PubMed 22245991 (cited by Kasturba Medical College, Manipal, Kasturba Medical College, Manipal, Manipal Academy of Higher Education, Manipal, India); PubMed 34624300 (cited by Natera, Inc. and Institute of Human Genetics, Univ. Regensburg, Univ. Regensburg); PubMed 28147405 (cited by Natera, Inc.); PubMed 34645606 (cited by Natera, Inc. and Institute of Human Genetics, Univ. Regensburg, Univ. Regensburg); PubMed 9618178 (cited by Labcorp Genetics (formerly Invitae), Labcorp and Institute of Human Genetics, Univ. Regensburg, Univ. Regensburg); PubMed 30652005 (cited by Labcorp Genetics (formerly Invitae), Labcorp and Institute of Human Genetics, Univ. Regensburg, Univ. Regensburg); PubMed 28272453 (cited by Labcorp Genetics (formerly Invitae), Labcorp); PubMed 33460243 (cited by Institute of Human Genetics, Univ. Regensburg, Univ. Regensburg); PubMed 33090715 (cited by Institute of Human Genetics, Univ. Regensburg, Univ. Regensburg); PubMed 35456481 (cited by Institute of Human Genetics, Univ. Regensburg, Univ. Regensburg); PubMed 34822951 (cited by Institute of Human Genetics, Univ. Regensburg, Univ. Regensburg); PubMed 36284460 (cited by Institute of Human Genetics, Univ. Regensburg, Univ. Regensburg).